The following is an entry in ClinVar:

NM_006231.4(POLE):c.2327A>G (p.Lys776Arg)

Gene: POLE (DNA polymerase epsilon, catalytic subunit; minus strand). Cytogenetic location: 12q24.33.
Variant type: single nucleotide variant.
Coding change: c.2327A>G on transcript NM_006231.4 (MANE Select); coding-DNA position 2327, A replaced by G.
Protein change: p.Lys776Arg; replaces lysine 776 with arginine.
Molecular consequence: missense variant.
Genome position (GRCh38, 1-based): chr12:132,665,443, T>C on the plus strand (A>G on the coding strand, the complement: POLE is on the minus strand). VCF-style: chr12-132665443-T-C. GRCh37 (hg19) VCF-style: chr12-133242029-T-C.
Other names: short protein forms K776R.
Identifiers: ClinVar variation 405649 (VCV000405649.20), dbSNP rs375791061, ClinGen allele CA16613696.

ClinVar aggregate classification (germline): Uncertain significance. Review status: criteria provided, multiple submitters, no conflicts (2 of 4 stars). 6 submissions from 6 submitters: Uncertain significance (6). Last evaluated 2025-11-23.

Conditions:
Facial dysmorphism-immunodeficiency-livedo-short stature syndrome. Also called: Facial dysmorphism, immunodeficiency, livedo, and short stature; FILS syndrome. Identifiers: Orphanet 352712, MedGen C3554576, MONDO:0014058, OMIM 615139.
Colorectal cancer, susceptibility to, 12 (CRCS12). Also called: COLORECTAL CANCER, SUSCEPTIBILITY TO, ON CHROMOSOME 12q24. Identifiers: Orphanet 220460, MedGen C3554460, MONDO:0014038, OMIM 615083.
Intrauterine growth retardation, metaphyseal dysplasia, adrenal hypoplasia congenita, genital anomalies, and immunodeficiency. Also called: IMAGEI SYNDROME. Identifiers: MedGen C5193036, MONDO:0032684, OMIM 618336.
Familial colorectal cancer type X. Identifiers: Orphanet 440437, MedGen C3896578, MONDO:0018604.
Polymerase proofreading-related adenomatous polyposis. Also called: Polymerase proofreading associated polyposis; Polymerase proofreading–associated polyposis (PPAP). Identifiers: Orphanet 447877, MedGen C5202613, MONDO:0018653.
Hereditary cancer-predisposing syndrome. Also called: Hereditary Cancer Syndrome; Hereditary neoplastic syndrome; Neoplastic Syndromes, Hereditary; Tumor predisposition. Identifiers: Orphanet 140162, MedGen C0027672, MeSH D009386, MONDO:0015356.

Allele frequency attached by ClinVar (database versions not stated): gnomAD exomes below 0.00001 and 0.00002; TOPMed below 0.00001; gnomAD 0.00001; ESP Exome Variant Server 0.00008.
gnomAD v4.1: 34 of 1,610,446 alleles (0.0021%); highest among the groups gnomAD compares: Non-Finnish European, 0.0029%; no homozygotes.

Submissions (6):

Labcorp Genetics (formerly Invitae), Labcorp
Classification: Uncertain significance. Last evaluated: 2025-11-23. Review status: criteria provided, single submitter. Criteria: Invitae Variant Classification Sherloc (09022015). Collection method: clinical testing. Allele origin: germline.
Comment: This sequence change replaces lysine, which is basic and polar, with arginine, which is basic and polar, at codon 776 of the POLE protein (p.Lys776Arg). This variant is present in population databases (rs375791061, gnomAD 0.0009%). This variant has not been reported in the literature in individuals affected with POLE-related conditions. ClinVar contains an entry for this variant (Variation ID: 405649). An algorithm developed to predict the effect of missense changes on protein structure and function outputs the following: PolyPhen-2: "Possibly Damaging". The arginine amino acid residue is found in multiple mammalian species, which suggests that this missense change does not adversely affect protein function. In summary, the available evidence is currently insufficient to determine the role of this variant in disease. Therefore, it has been classified as a Variant of Uncertain Significance.

Ambry Genetics
Classification: Uncertain significance for Hereditary cancer-predisposing syndrome. Last evaluated: 2025-09-25. Review status: criteria provided, single submitter. Criteria: Ambry Variant Classification Scheme 2023. Collection method: clinical testing. Allele origin: germline.
Comment: The c.2327A>G (p.K776R) alteration is located in exon 21 (coding exon 21) of the POLE gene. This alteration results from a A to G substitution at nucleotide position 2327, causing the lysine (K) at amino acid position 776 to be replaced by an arginine (R). Based on data from gnomAD, the G allele has an overall frequency of <0.001% (1/248794) total alleles studied. The highest observed frequency was 0.001% (1/113572) of European (non-Finnish) alleles. Based on insufficient or conflicting evidence, the clinical significance of this alteration remains unclear.

Fulgent Genetics
Classification: Uncertain significance for Colorectal cancer, susceptibility to, 12; Facial dysmorphism-immunodeficiency-livedo-short stature syndrome; Intrauterine growth retardation, metaphyseal dysplasia, adrenal hypoplasia congenita, genital anomalies, and immunodeficiency. Last evaluated: 2024-01-02. Review status: criteria provided, single submitter. Criteria: ACMG Guidelines, 2015. Collection method: clinical testing. Allele origin: germline.

GeneDx
Classification: Uncertain significance. Last evaluated: 2023-12-24. Review status: criteria provided, single submitter. Criteria: GeneDx Variant Classification Process June 2021. Collection method: clinical testing. Allele origin: germline. Affected: yes.
Comment: Not observed at significant frequency in large population cohorts (gnomAD); In silico analysis supports that this missense variant has a deleterious effect on protein structure/function; Has not been previously published as pathogenic or benign to our knowledge; This variant is associated with the following publications: (PMID: 20951805)

Department of Pathology and Laboratory Medicine, Sinai Health System
Classification: Uncertain significance for Polymerase proofreading-related adenomatous polyposis; Familial colorectal cancer type X. Last evaluated: 2021-08-13. Review status: criteria provided, single submitter. Criteria: ACMG Guidelines, 2015. Collection method: clinical testing. Allele origin: germline. Affected: yes.

Quest Diagnostics Nichols Institute San Juan Capistrano
Classification: Uncertain significance. Last evaluated: 2020-05-29. Review status: criteria provided, single submitter. Criteria: Quest Diagnostics criteria. Collection method: clinical testing. Allele origin: unknown.